The following is an entry in ClinVar:

NM_000179.3(MSH6):c.1992A>G (p.Ser664=)

Gene: MSH6 (mutS homolog 6; plus strand). Cytogenetic location: 2p16.3.
Variant type: single nucleotide variant.
Coding change: c.1992A>G on transcript NM_000179.3 (MANE Select); coding-DNA position 1992, A replaced by G.
Protein change: p.Ser664=; no amino-acid change (serine 664 retained).
Molecular consequence: synonymous variant.
Genome position (GRCh38, 1-based): chr2:47,799,975, A>G. VCF-style: chr2-47799975-A-G. GRCh37 (hg19) VCF-style: chr2-48027114-A-G.
Other names: c.1602A>G, p.Ser534= (NM_001281492.2); c.1086A>G, p.Ser362= (NM_001281493.2, NM_001281494.2).
Identifiers: ClinVar variation 1152397 (VCV001152397.13), dbSNP rs2104380978, ClinGen allele CA426121283.
Genomic context (GRCh38, chr2:47,799,975, plus strand): 5'-GGAAAAGCTAAGTGATGGCATTGGGGTGATGTTACCCCAGGTGCTTAAAGGTATGACTTC[A>G]GAGTCTGATTCCATTGGGTTGACACCAGGAGAGAAAAGTGAATTGGCCCTCTCTGCTCTA-3'
Protein context (NP_000170.1, residues 654-674): MLPQVLKGMT[Ser664=]ESDSIGLTPG

ClinVar aggregate classification (germline): Benign/Likely benign. Review status: criteria provided, multiple submitters, no conflicts (2 of 4 stars). 4 submissions from 4 submitters: Benign (1); Likely benign (3). Last evaluated 2024-12-30.

Conditions:
Hereditary nonpolyposis colorectal neoplasms. Identifiers: MedGen C0009405, MeSH D003123.
Lynch syndrome 5 (LYNCH5). Also called: Colorectal cancer, hereditary nonpolyposis, type 5; Hereditary non-polyposis colorectal cancer, type 5. Identifiers: Orphanet 144, MedGen C1833477, MONDO:0013710, OMIM 614350. Disease mechanism: loss of function.
Hereditary cancer-predisposing syndrome. Also called: Tumor predisposition; Neoplastic Syndromes, Hereditary; Hereditary neoplastic syndrome; Hereditary Cancer Syndrome. Identifiers: Orphanet 140162, MedGen C0027672, MeSH D009386, MONDO:0015356.

Submissions (4):

Myriad Genetics, Inc.
Classification: Benign for Lynch syndrome 5. Last evaluated: 2024-12-30. Review status: criteria provided, single submitter. Criteria: Myriad Autosomal Dominant, Autosomal Recessive and X-Linked Classification Criteria (2023). Collection method: clinical testing. Allele origin: unknown.
Comment: This variant is considered benign. This variant is a silent/synonymous amino acid change and it is not expected to impact splicing.

Labcorp Genetics (formerly Invitae), Labcorp
Classification: Likely benign for Hereditary nonpolyposis colorectal neoplasms. Last evaluated: 2024-07-03. Review status: criteria provided, single submitter. Criteria: Invitae Variant Classification Sherloc (09022015). Collection method: clinical testing. Allele origin: germline.

Sema4
Classification: Likely benign for Hereditary cancer-predisposing syndrome. Last evaluated: 2021-09-28. Review status: criteria provided, single submitter. Criteria: Sema4 Curation Guidelines. Collection method: curation. Allele origin: germline.

Ambry Genetics
Classification: Likely benign for Hereditary cancer-predisposing syndrome. Last evaluated: 2020-05-26. Review status: criteria provided, single submitter. Criteria: Ambry Variant Classification Scheme 2023. Collection method: clinical testing. Allele origin: germline.